The following is an entry in ClinVar:

NM_182931.3(KMT2E):c.3399C>T (p.Phe1133=)

Gene: KMT2E (lysine methyltransferase 2E (inactive); plus strand). Cytogenetic location: 7q22.3.
Variant type: single nucleotide variant.
Coding change: c.3399C>T on transcript NM_182931.3 (MANE Select); coding-DNA position 3399, C replaced by T.
Protein change: p.Phe1133=; no amino-acid change (phenylalanine 1133 retained).
Molecular consequence: synonymous variant.
Genome position (GRCh38, 1-based): chr7:105,107,856, C>T. VCF-style: chr7-105107856-C-T. GRCh37 (hg19) VCF-style: chr7-104748303-C-T.
Other names: c.3399C>T (NM_182931.2); c.3399C>T, p.Phe1133= (NM_001410908.1, NM_018682.4).
Identifiers: ClinVar variation 2990285 (VCV002990285.4), dbSNP rs762538527, ClinGen allele CA4424460.
Genomic context (GRCh38, chr7:105,107,856, plus strand): 5'-AGGCATGTTTATGGAAACAACTGTGTTTTGTACTTCCGAAGATGGGCTTGTATCTGGTTT[C>T]GGACGGACTGTTAATGACAATTTGATCGACGGGAATTGCACACCCCAGAATCCACCACAA-3'
Protein context (NP_891847.1, residues 1123-1143): CTSEDGLVSG[Phe1133=]GRTVNDNLID

ClinVar aggregate classification (germline): Likely benign. Review status: criteria provided, multiple submitters, no conflicts (2 of 4 stars). 2 submissions from 2 submitters: Likely benign (2). Last evaluated 2024-12-04.

Conditions:
KMT2E-related disorder. Also called: KMT2E-related condition.

Allele frequency attached by ClinVar (database versions not stated): gnomAD 0.00001; gnomAD exomes 0.00001; ExAC 0.00002; TOPMed 0.00002.
gnomAD v4.1: 18 of 1,613,872 alleles (0.0011%); highest among the groups gnomAD compares: Admixed American, 0.005%; no homozygotes.

Submissions (2):

PreventionGenetics, part of Exact Sciences
Classification: Likely benign for KMT2E-related condition. Last evaluated: 2024-12-04. Review status: criteria provided, single submitter. Criteria: ACMG Guidelines, 2015. Collection method: clinical testing. Allele origin: germline.
Comment: This variant is classified as likely benign based on ACMG/AMP sequence variant interpretation guidelines (Richards et al. 2015 PMID: 25741868, with internal and published modifications).

Labcorp Genetics (formerly Invitae), Labcorp
Classification: Likely benign. Last evaluated: 2023-10-14. Review status: criteria provided, single submitter. Criteria: Invitae Variant Classification Sherloc (09022015). Collection method: clinical testing. Allele origin: germline.